The following is an entry in ClinVar:

NM_005585.5(SMAD6):c.1214G>A (p.Arg405His)

Gene: SMAD6 (SMAD family member 6; plus strand). Cytogenetic location: 15q22.31.
Variant type: single nucleotide variant.
Coding change: c.1214G>A on transcript NM_005585.5 (MANE Select); coding-DNA position 1214, G replaced by A.
Protein change: p.Arg405His; replaces arginine 405 with histidine.
Molecular consequence: missense variant. On other transcripts: non-coding transcript variant (1).
Genome position (GRCh38, 1-based): chr15:66,781,258, G>A. VCF-style: chr15-66781258-G-A. GRCh37 (hg19) VCF-style: chr15-67073596-G-A.
Other names: short protein forms R405H.
Identifiers: ClinVar variation 4864719 (VCV004864719.1).

ClinVar aggregate classification (germline): Uncertain significance (1 of 4 stars; one submission).

Conditions:
Inborn genetic diseases. Identifiers: MedGen C0950123, MeSH D030342.

Submission:

Ambry Genetics
Classification: Uncertain significance for Inborn genetic diseases. Last evaluated: 2026-04-27. Review status: criteria provided, single submitter. Criteria: Ambry Variant Classification Scheme 2023. Collection method: clinical testing. Allele origin: germline.
Comment: The p.R405H variant (also known as c.1214G>A), located in coding exon 4 of the SMAD6 gene, results from a G to A substitution at nucleotide position 1214. The arginine at codon 405 is replaced by histidine, an amino acid with highly similar properties. This amino acid position is conserved. In addition, this alteration is predicted to be deleterious by in silico analysis. Based on the available evidence, the clinical significance of this variant remains unclear.